The following is an entry in ClinVar:

ClinVar aggregate classification (germline): Uncertain significance (1 of 4 stars; one submission).

Allele frequency attached by ClinVar (database versions not stated): gnomAD exomes below 0.00001; TOPMed below 0.00001; gnomAD 0.00001.
gnomAD v4.1: 4 of 1,613,866 alleles (0.00025%); highest among the groups gnomAD compares: African/African-American, 0.0013%; no homozygotes.

Submission:

Labcorp Genetics (formerly Invitae), Labcorp
Classification: Uncertain significance. Last evaluated: 2024-12-02. Review status: criteria provided, single submitter. Criteria: Invitae Variant Classification Sherloc (09022015). Collection method: clinical testing. Allele origin: germline.
Comment: This sequence change replaces alanine, which is neutral and non-polar, with threonine, which is neutral and polar, at codon 1067 of the RP1 protein (p.Ala1067Thr). This variant is not present in population databases (gnomAD no frequency). This variant has not been reported in the literature in individuals affected with RP1-related conditions. ClinVar contains an entry for this variant (Variation ID: 1391094). An algorithm developed to predict the effect of missense changes on protein structure and function outputs the following: PolyPhen-2: "Benign". The threonine amino acid residue is found in multiple mammalian species, which suggests that this missense change does not adversely affect protein function. In summary, the available evidence is currently insufficient to determine the role of this variant in disease. Therefore, it has been classified as a Variant of Uncertain Significance.

NM_006269.2(RP1):c.3199G>A (p.Ala1067Thr)

Gene: RP1 (RP1 axonemal microtubule associated; plus strand). Cytogenetic location: 8q12.1.
Variant type: single nucleotide variant.
Coding change: c.3199G>A on transcript NM_006269.2 (MANE Select); coding-DNA position 3199, G replaced by A.
Protein change: p.Ala1067Thr; replaces alanine 1067 with threonine.
Molecular consequence: missense variant. On other transcripts: intron variant (1).
Genome position (GRCh38, 1-based): chr8:54,627,081, G>A. VCF-style: chr8-54627081-G-A. GRCh37 (hg19) VCF-style: chr8-55539641-G-A.
Other names: c.787+4793G>A (NM_001375654.1); short protein forms A1067T.
Identifiers: ClinVar variation 1391094 (VCV001391094.6), dbSNP rs866421606, ClinGen allele CA177237515.